The following is an entry in ClinVar:

NM_000051.4(ATM):c.6003A>G (p.Leu2001=)

Genes: ATM (ATM serine/threonine kinase; plus strand), C11orf65 (chromosome 11 open reading frame 65; minus strand). Cytogenetic location: 11q22.3.
Variant type: single nucleotide variant.
Coding change: c.6003A>G on transcript NM_000051.4 (MANE Select); coding-DNA position 6003, A replaced by G.
Protein change: p.Leu2001=; no amino-acid change (leucine 2001 retained).
Molecular consequence: synonymous variant. On other transcripts: intron variant (2).
Genome position (GRCh38, 1-based): chr11:108,312,495, A>G. VCF-style: chr11-108312495-A-G. GRCh37 (hg19) VCF-style: chr11-108183222-A-G.
Other names: c.6003A>G, p.Leu2001= (NM_001351834.2); c.641-3424T>C (NM_001330368.2); c.*39-3424T>C (NM_001351110.2).
Identifiers: ClinVar variation 389377 (VCV000389377.15), dbSNP rs1057523413, ClinGen allele CA16606201.

ClinVar aggregate classification (germline): Benign/Likely benign. Review status: criteria provided, multiple submitters, no conflicts (2 of 4 stars). 4 submissions from 4 submitters: Benign (1); Likely benign (3). Last evaluated 2024-05-28.

Conditions:
Hereditary cancer-predisposing syndrome. Also called: Neoplastic Syndromes, Hereditary; Hereditary Cancer Syndrome; Tumor predisposition; Hereditary neoplastic syndrome. Identifiers: Orphanet 140162, MedGen C0027672, MeSH D009386, MONDO:0015356.
Ataxia-telangiectasia syndrome (AT). Also called: LOUIS-BAR SYNDROME; Cerebello-oculocutaneous telangiectasia; Immunodeficiency with ataxia telangiectasia; Ataxia-telangiectasia, complementation group D; AT, COMPLEMENTATION GROUP C; Ataxia-telangiectasia, complementation group E. Identifiers: Orphanet 100, MedGen C0004135, MONDO:0008840, OMIM 208900.
Familial cancer of breast. Also called: Hereditary breast cancer; BREAST CANCER, FAMILIAL; hereditary breast carcinoma. Identifiers: Orphanet 227535, MedGen C0346153, MONDO:0016419, OMIM 114480. Disease mechanism: loss of function.

Submissions (4):

Myriad Genetics, Inc.
Classification: Benign for Familial cancer of breast. Last evaluated: 2024-05-28. Review status: criteria provided, single submitter. Criteria: Myriad Autosomal Dominant, Autosomal Recessive and X-Linked Classification Criteria (2023). Collection method: clinical testing. Allele origin: unknown.
Comment: This variant is considered benign. This variant is a silent/synonymous amino acid change and it is not expected to impact splicing.

Labcorp Genetics (formerly Invitae), Labcorp
Classification: Likely benign for Ataxia-telangiectasia syndrome. Last evaluated: 2022-08-29. Review status: criteria provided, single submitter. Criteria: Invitae Variant Classification Sherloc (09022015). Collection method: clinical testing. Allele origin: germline.

Ambry Genetics
Classification: Likely benign for Hereditary cancer-predisposing syndrome. Last evaluated: 2019-10-07. Review status: criteria provided, single submitter. Criteria: Ambry Variant Classification Scheme 2023. Collection method: clinical testing. Allele origin: germline.

GeneDx
Classification: Likely benign. Last evaluated: 2016-09-13. Review status: criteria provided, single submitter. Criteria: GeneDx Variant Classification (06012015). Collection method: clinical testing. Allele origin: germline. Affected: yes.
Comment: This variant is considered likely benign or benign based on one or more of the following criteria: it is a conservative change, it occurs at a poorly conserved position in the protein, it is predicted to be benign by multiple in silico algorithms, and/or has population frequency not consistent with disease.